The following is an entry in ClinVar:

ClinVar aggregate classification (germline): Uncertain significance (1 of 4 stars; one submission).

Submission:

Labcorp Genetics (formerly Invitae), Labcorp
Classification: Uncertain significance. Last evaluated: 2023-07-17. Review status: criteria provided, single submitter. Criteria: Invitae Variant Classification Sherloc (09022015). Collection method: clinical testing. Allele origin: germline.
Comment: In summary, the available evidence is currently insufficient to determine the role of this variant in disease. Therefore, it has been classified as a Variant of Uncertain Significance. An algorithm developed to predict the effect of missense changes on protein structure and function (PolyPhen-2) suggests that this variant is likely to be disruptive. ClinVar contains an entry for this variant (Variation ID: 1357263). This variant has not been reported in the literature in individuals affected with CNTNAP1-related conditions. This variant is not present in population databases (gnomAD no frequency). This sequence change replaces glycine, which is neutral and non-polar, with aspartic acid, which is acidic and polar, at codon 604 of the CNTNAP1 protein (p.Gly604Asp).

NM_003632.3(CNTNAP1):c.1811G>A (p.Gly604Asp)

Gene: CNTNAP1 (contactin associated protein 1; plus strand). Cytogenetic location: 17q21.2.
Variant type: single nucleotide variant.
Coding change: c.1811G>A on transcript NM_003632.3 (MANE Select); coding-DNA position 1811, G replaced by A.
Protein change: p.Gly604Asp; replaces glycine 604 with aspartic acid.
Molecular consequence: missense variant.
Genome position (GRCh38, 1-based): chr17:42,690,163, G>A. VCF-style: chr17-42690163-G-A. GRCh37 (hg19) VCF-style: chr17-40842181-G-A.
Other names: short protein forms G604D.
Identifiers: ClinVar variation 1357263 (VCV001357263.8), dbSNP rs2143661251, ClinGen allele CA399642380.
Genomic context (GRCh38, chr17:42,690,163, plus strand): 5'-CCTGTGAGGCTTATCGGCTCAGTGGGAAAACTTCTGGAAACTTCACCATTGATCCTGATG[G>A]CAGTGGCCCCCTGAAGCCATTTGTAGTGTACTGTGATATCCGAGGTAAGTGTCTCTGTTG-3'
Protein context (NP_003623.1, residues 594-614): TSGNFTIDPD[Gly604Asp]SGPLKPFVVY